The following is an entry in ClinVar:

ClinVar aggregate classification (germline): Pathogenic (0 of 4 stars; one submission).

Conditions:
Premature ovarian failure 9 (POF9). Identifiers: MedGen C3810376, MONDO:0014322, OMIM 615724.

Submission:

Diagnostic Laboratory, Strasbourg University Hospital
Classification: Pathogenic for Premature ovarian failure 9. Last evaluated: 2021-02-09. Review status: no assertion criteria provided. Collection method: clinical testing. Allele origin: inherited. Inheritance: Autosomal recessive inheritance. Affected: yes. Observed: 1 variant allele, 1 homozygote.
Comment: The variation creates premature stop codon.

NM_001017975.6(HFM1):c.1905T>A (p.Tyr635Ter)

Gene: HFM1 (helicase for meiosis 1; minus strand). Cytogenetic location: 1p22.2.
Variant type: single nucleotide variant.
Coding change: c.1905T>A on transcript NM_001017975.6 (MANE Select); coding-DNA position 1905, T replaced by A.
Protein change: p.Tyr635Ter; replaces tyrosine 635 with a stop codon.
Molecular consequence: nonsense. On other transcripts: non-coding transcript variant (1).
Genome position (GRCh38, 1-based): chr1:91,352,578, A>T on the plus strand (T>A on the coding strand, the complement: HFM1 is on the minus strand). VCF-style: chr1-91352578-A-T. GRCh37 (hg19) VCF-style: chr1-91818135-A-T.
Other names: short protein forms Y635*.
Identifiers: ClinVar variation 996213 (VCV000996213.3), dbSNP rs751622198, ClinGen allele CA341055427.